The following is an entry in ClinVar:

NM_001270.4(CHD1):c.3913C>T (p.Arg1305Cys)

Gene: CHD1 (chromodomain helicase DNA binding protein 1; minus strand). Cytogenetic location: 5q15.
Variant type: single nucleotide variant.
Coding change: c.3913C>T on transcript NM_001270.4 (MANE Select); coding-DNA position 3913, C replaced by T.
Protein change: p.Arg1305Cys; replaces arginine 1305 with cysteine.
Molecular consequence: missense variant. On other transcripts: non-coding transcript variant (2).
Genome position (GRCh38, 1-based): chr5:98,870,752, G>A on the plus strand (C>T on the coding strand, the complement: CHD1 is on the minus strand). VCF-style: chr5-98870752-G-A. GRCh37 (hg19) VCF-style: chr5-98206456-G-A.
Other names: c.3913C>T, p.Arg1305Cys (NM_001364113.3, NM_001376194.2); short protein forms R1305C.
Identifiers: ClinVar variation 4538895 (VCV004538895.1).
Genomic context (GRCh38, chr5:98,870,752, plus strand): 5'-CAGAAAGAGCTTCTTTTTTTGCAAGATCTCTACTAAGTAATTTGATGAGGTAGTCTGCAC[G>A]GGTCTGCAACTGTTTTGCTTGTGGTTTTTTATCGGGATCATCTGGAAGAATCTGAAAAAG-3'
Protein context (NP_001261.2, residues 1295-1315): KKPQAKQLQT[Arg1305Cys]ADYLIKLLSR

ClinVar aggregate classification (germline): Uncertain significance (1 of 4 stars; one submission).

Submission:

GeneDx
Classification: Uncertain significance. Last evaluated: 2025-06-17. Review status: criteria provided, single submitter. Criteria: GeneDx Variant Classification Process June 2021. Collection method: clinical testing. Allele origin: germline. Affected: yes.
Comment: Not observed at significant frequency in large population cohorts (gnomAD); In silico analysis supports that this missense variant has a deleterious effect on protein structure/function; Has not been previously published as pathogenic or benign to our knowledge